The following is an entry in ClinVar:

ClinVar aggregate classification (germline): Uncertain significance. Review status: criteria provided, single submitter (1 of 4 stars). 2 submissions from 2 submitters: Uncertain significance (1). 1 of the submissions does not count toward it. Last evaluated 2024-11-27.

Conditions:
PLXNA1-related disorder. Also called: PLXNA1-related condition.

gnomAD v4.1: 29 of 1,612,106 alleles (0.0018%); highest among the groups gnomAD compares: Middle Eastern, 0.033%; no homozygotes.

Submissions (2):

Ambry Genetics
Classification: Uncertain significance. Last evaluated: 2024-11-27. Review status: criteria provided, single submitter. Criteria: Ambry Variant Classification Scheme 2023. Collection method: clinical testing. Allele origin: germline.

PreventionGenetics, part of Exact Sciences
Classification: Uncertain significance for PLXNA1-related condition. Last evaluated: 2023-12-29. Review status: no assertion criteria provided. Collection method: clinical testing. Allele origin: germline. Not counted in ClinVar's aggregate classification.
Comment: The PLXNA1 c.2681A>T variant is predicted to result in the amino acid substitution p.Glu894Val. To our knowledge, this variant has not been reported in the literature. This variant is reported in 0.0058% of alleles in individuals of Latino descent in gnomAD. At this time, the clinical significance of this variant is uncertain due to the absence of conclusive functional and genetic evidence.

NM_032242.4(PLXNA1):c.2681A>T (p.Glu894Val)

Gene: PLXNA1 (plexin A1; plus strand). Cytogenetic location: 3q21.3.
Variant type: single nucleotide variant.
Coding change: c.2681A>T on transcript NM_032242.4 (MANE Select); coding-DNA position 2681, A replaced by T.
Protein change: p.Glu894Val; replaces glutamic acid 894 with valine.
Molecular consequence: missense variant.
Genome position (GRCh38, 1-based): chr3:127,014,554, A>T. VCF-style: chr3-127014554-A-T. GRCh37 (hg19) VCF-style: chr3-126733397-A-T.
Other names: short protein forms E894V.
Identifiers: ClinVar variation 3358568 (VCV003358568.2).